The following is an entry in ClinVar:

ClinVar aggregate classification (germline): Benign. Review status: criteria provided, multiple submitters, no conflicts (2 of 4 stars). 3 submissions from 3 submitters: Benign (2). 1 of the submissions does not count toward it. Last evaluated 2025-10-02.

Conditions:
KCNH1-related disorder. Also called: KCNH1-related disorders; KCNH1-related condition.

Allele frequency attached by ClinVar (database versions not stated): TOPMed 0.00014; ESP Exome Variant Server 0.00015; gnomAD exomes 0.00032 and 0.00069; 1000 Genomes Project 0.00040; 1000 Genomes Project 30x 0.00047; gnomAD 0.00049; ExAC 0.00051.
gnomAD v4.1: 547 of 1,614,162 alleles (0.034%); highest among the groups gnomAD compares: East Asian, 0.038%; no homozygotes.

Submissions (3):

Labcorp Genetics (formerly Invitae), Labcorp
Classification: Benign. Last evaluated: 2025-10-02. Review status: criteria provided, single submitter. Criteria: Invitae Variant Classification Sherloc (09022015). Collection method: clinical testing. Allele origin: germline.

GeneDx
Classification: Benign. Last evaluated: 2020-02-05. Review status: criteria provided, single submitter. Criteria: GeneDx Variant Classification Process June 2021. Collection method: clinical testing. Allele origin: germline. Affected: yes.

PreventionGenetics, part of Exact Sciences
Classification: Benign for KCNH1-related condition. Last evaluated: 2019-10-03. Review status: no assertion criteria provided. Collection method: clinical testing. Allele origin: germline. Not counted in ClinVar's aggregate classification.
Comment: This variant is classified as benign based on ACMG/AMP sequence variant interpretation guidelines (Richards et al. 2015 PMID: 25741868, with internal and published modifications).

NM_172362.3(KCNH1):c.2610C>T (p.Gly870=)

Gene: KCNH1 (potassium voltage-gated channel subfamily H member 1; minus strand). Cytogenetic location: 1q32.2.
Variant type: single nucleotide variant.
Coding change: c.2610C>T on transcript NM_172362.3 (MANE Select); coding-DNA position 2610, C replaced by T.
Protein change: p.Gly870=; no amino-acid change (glycine 870 retained).
Molecular consequence: synonymous variant.
Genome position (GRCh38, 1-based): chr1:210,683,641, G>A on the plus strand (C>T on the coding strand, the complement: KCNH1 is on the minus strand). VCF-style: chr1-210683641-G-A. GRCh37 (hg19) VCF-style: chr1-210856983-G-A.
Other names: c.2529C>T, p.Gly843= (NM_002238.4).
Identifiers: ClinVar variation 778537 (VCV000778537.13), dbSNP rs140491301, ClinGen allele CA1379622.